The following is an entry in ClinVar:

ClinVar aggregate classification (germline): Likely benign. Review status: criteria provided, multiple submitters, no conflicts (2 of 4 stars). 3 submissions from 3 submitters: Likely benign (3). Last evaluated 2025-12-15.

Allele frequency attached by ClinVar (database versions not stated): gnomAD exomes 0.00006; ExAC 0.00008; gnomAD 0.00025; TOPMed 0.00026; ESP Exome Variant Server 0.00031; 1000 Genomes Project 30x 0.00047; 1000 Genomes Project 0.00060.
gnomAD v4.1: 102 of 1,613,088 alleles (0.0063%); highest among the groups gnomAD compares: Middle Eastern, 0.12%; no homozygotes.

Submissions (3):

Labcorp Genetics (formerly Invitae), Labcorp
Classification: Likely benign. Last evaluated: 2025-12-15. Review status: criteria provided, single submitter. Criteria: Invitae Variant Classification Sherloc (09022015). Collection method: clinical testing. Allele origin: germline.

Blueprint Genetics
Classification: Likely benign. Last evaluated: 2024-10-17. Review status: criteria provided, single submitter. Criteria: ACMG Guidelines, 2015. Collection method: clinical testing. Allele origin: germline.

GeneDx
Classification: Likely benign. Last evaluated: 2017-03-21. Review status: criteria provided, single submitter. Criteria: GeneDx Variant Classification (06012015). Collection method: clinical testing. Allele origin: germline. Affected: yes.
Comment: This variant is considered likely benign or benign based on one or more of the following criteria: it is a conservative change, it occurs at a poorly conserved position in the protein, it is predicted to be benign by multiple in silico algorithms, and/or has population frequency not consistent with disease.

NM_020381.4(PDSS2):c.1042-19T>C

Gene: PDSS2 (decaprenyl diphosphate synthase subunit 2; minus strand). Cytogenetic location: 6q21.
Variant type: single nucleotide variant.
Coding change: c.1042-19T>C on transcript NM_020381.4 (MANE Select); 19 bases into the intron before coding-DNA position 1042, T replaced by C.
Molecular consequence: intron variant.
Genome position (GRCh38, 1-based): chr6:107,154,796, A>G on the plus strand (T>C on the coding strand, the complement: PDSS2 is on the minus strand). VCF-style: chr6-107154796-A-G. GRCh37 (hg19) VCF-style: chr6-107476000-A-G.
Identifiers: ClinVar variation 383027 (VCV000383027.7), dbSNP rs375212294, ClinGen allele CA3945919.